The following is an entry in ClinVar:

ClinVar aggregate classification (germline): Uncertain significance (1 of 4 stars; one submission).

Conditions:
Cardiovascular phenotype. Identifiers: MedGen CN230736.

gnomAD v4.1: 1 of 1,595,646 alleles (0.000063%); highest among the groups gnomAD compares: East Asian, 0.0023%; no homozygotes.

Submission:

Ambry Genetics
Classification: Uncertain significance for Cardiovascular phenotype. Last evaluated: 2025-05-08. Review status: criteria provided, single submitter. Criteria: Ambry Variant Classification Scheme 2023. Collection method: clinical testing. Allele origin: germline.
Comment: The p.P1200Q variant (also known as c.3599C>A), located in coding exon 8 of the HCN4 gene, results from a C to A substitution at nucleotide position 3599. The proline at codon 1200 is replaced by glutamine, an amino acid with similar properties. This amino acid position is conserved. In addition, the in silico prediction for this alteration is inconclusive. Based on the available evidence, the clinical significance of this variant remains unclear.

NM_005477.3(HCN4):c.3599C>A (p.Pro1200Gln)

Gene: HCN4 (hyperpolarization activated cyclic nucleotide gated potassium channel 4; minus strand). Cytogenetic location: 15q24.1.
Variant type: single nucleotide variant.
Coding change: c.3599C>A on transcript NM_005477.3 (MANE Select); coding-DNA position 3599, C replaced by A.
Protein change: p.Pro1200Gln; replaces proline 1200 with glutamine.
Molecular consequence: missense variant.
Genome position (GRCh38, 1-based): chr15:73,322,494, G>T on the plus strand (C>A on the coding strand, the complement: HCN4 is on the minus strand). VCF-style: chr15-73322494-G-T. GRCh37 (hg19) VCF-style: chr15-73614835-G-T.
Other names: short protein forms P1200Q.
Identifiers: ClinVar variation 4034010 (VCV004034010.1).